The following is an entry in ClinVar:

NM_000091.5(COL4A3):c.3883-2A>G

Genes: COL4A3 (collagen type IV alpha 3 chain; plus strand), MFF-DT (MFF divergent transcript; minus strand). Cytogenetic location: 2q36.3.
Variant type: single nucleotide variant.
Coding change: c.3883-2A>G on transcript NM_000091.5 (MANE Select); the canonical splice acceptor site of the intron before coding-DNA position 3883, A replaced by G.
Molecular consequence: splice acceptor variant.
Genome position (GRCh38, 1-based): chr2:227,303,036, A>G. VCF-style: chr2-227303036-A-G. GRCh37 (hg19) VCF-style: chr2-228167752-A-G.
Identifiers: ClinVar variation 557014 (VCV000557014.5), dbSNP rs1553765265, ClinGen allele CA350861977.

ClinVar aggregate classification (germline): Likely pathogenic. Review status: criteria provided, single submitter (1 of 4 stars). 2 submissions from 2 submitters: Likely pathogenic (1). 1 of the submissions does not count toward it. Last evaluated 2023-07-16.

Conditions:
Autosomal recessive Alport syndrome (ATS2). Also called: Alport syndrome type 2; ALPORT SYNDROME 2, AUTOSOMAL RECESSIVE; COL4A3-Related Nephropathy; COL4A4 Alport Syndrome and Thin Basement Membrane Nephropathy. Identifiers: Orphanet 63, Orphanet 88919, MedGen C4746745, MONDO:0008762, OMIM 203780.

Submissions (2):

Labcorp Genetics (formerly Invitae), Labcorp
Classification: Likely pathogenic. Last evaluated: 2023-07-16. Review status: criteria provided, single submitter. Criteria: Invitae Variant Classification Sherloc (09022015). Collection method: clinical testing. Allele origin: germline.
Comment: In summary, the currently available evidence indicates that the variant is pathogenic, but additional data are needed to prove that conclusively. Therefore, this variant has been classified as Likely Pathogenic. Algorithms developed to predict the effect of sequence changes on RNA splicing suggest that this variant may disrupt the consensus splice site. ClinVar contains an entry for this variant (Variation ID: 557014). This variant has not been reported in the literature in individuals affected with COL4A3-related conditions. This variant is not present in population databases (gnomAD no frequency). This sequence change affects an acceptor splice site in intron 43 of the COL4A3 gene. It is expected to disrupt RNA splicing. Variants that disrupt the donor or acceptor splice site typically lead to a loss of protein function (PMID: 16199547), and loss-of-function variants in COL4A3 are known to be pathogenic (PMID: 8956999, 24854265, 26809805, 27281700).

Counsyl
Classification: Likely pathogenic for Autosomal recessive Alport syndrome. Last evaluated: 2018-03-02. Review status: no assertion criteria provided. Collection method: clinical testing. Allele origin: unknown. Not counted in ClinVar's aggregate classification.

Literature cited by the submitters: PubMed 16199547 (cited by Labcorp Genetics (formerly Invitae), Labcorp); PubMed 8956999 (cited by Labcorp Genetics (formerly Invitae), Labcorp); PubMed 24854265 (cited by Labcorp Genetics (formerly Invitae), Labcorp); PubMed 26809805 (cited by Labcorp Genetics (formerly Invitae), Labcorp); PubMed 27281700 (cited by Labcorp Genetics (formerly Invitae), Labcorp).